The following is an entry in ClinVar:

NM_017849.4(TMEM127):c.424A>C (p.Thr142Pro)

Gene: TMEM127 (transmembrane protein 127; minus strand). Cytogenetic location: 2q11.2.
Variant type: single nucleotide variant.
Coding change: c.424A>C on transcript NM_017849.4 (MANE Select); coding-DNA position 424, A replaced by C.
Protein change: p.Thr142Pro; replaces threonine 142 with proline.
Molecular consequence: missense variant.
Genome position (GRCh38, 1-based): chr2:96,254,101, T>G on the plus strand (A>C on the coding strand, the complement: TMEM127 is on the minus strand). VCF-style: chr2-96254101-T-G. GRCh37 (hg19) VCF-style: chr2-96919839-T-G.
Other names: c.424A>C, p.Thr142Pro (NM_001193304.3); short protein forms T142P.
Identifiers: ClinVar variation 844934 (VCV000844934.10), dbSNP rs936034324, ClinGen allele CA52412232.

ClinVar aggregate classification (germline): Uncertain significance. Review status: criteria provided, multiple submitters, no conflicts (2 of 4 stars). 2 submissions from 2 submitters: Uncertain significance (2). Last evaluated 2025-12-24.

Conditions:
Hereditary cancer-predisposing syndrome. Also called: Hereditary Cancer Syndrome; Tumor predisposition; Neoplastic Syndromes, Hereditary; Hereditary neoplastic syndrome. Identifiers: Orphanet 140162, MedGen C0027672, MeSH D009386, MONDO:0015356.
Hereditary pheochromocytoma and paraganglioma. Also called: Hereditary pheochromocytoma-paraganglioma; Hereditary paragangliomas and pheochromocytomas; Hereditary Paraganglioma-Pheochromocytoma Syndromes. Identifiers: Orphanet 29072, MedGen C4274332, MONDO:0017366.

Allele frequency attached by ClinVar (database versions not stated): TOPMed below 0.00001; gnomAD 0.00001; gnomAD exomes 0.00001.
gnomAD v4.1: 10 of 1,613,906 alleles (0.00062%); highest among the groups gnomAD compares: African/African-American, 0.0013%; no homozygotes.

Submissions (2):

Labcorp Genetics (formerly Invitae), Labcorp
Classification: Uncertain significance for Hereditary pheochromocytoma and paraganglioma. Last evaluated: 2025-12-24. Review status: criteria provided, single submitter. Criteria: Invitae Variant Classification Sherloc (09022015). Collection method: clinical testing. Allele origin: germline.
Comment: This sequence change replaces threonine, which is neutral and polar, with proline, which is neutral and non-polar, at codon 142 of the TMEM127 protein (p.Thr142Pro). This variant is not present in population databases (gnomAD no frequency). This variant has not been reported in the literature in individuals affected with TMEM127-related conditions. ClinVar contains an entry for this variant (Variation ID: 844934). An algorithm developed to predict the effect of missense changes on protein structure and function (PolyPhen-2) suggests that this variant is likely to be disruptive. In summary, the available evidence is currently insufficient to determine the role of this variant in disease. Therefore, it has been classified as a Variant of Uncertain Significance.

Ambry Genetics
Classification: Uncertain significance for Hereditary cancer-predisposing syndrome. Last evaluated: 2025-06-22. Review status: criteria provided, single submitter. Criteria: Ambry Variant Classification Scheme 2023. Collection method: clinical testing. Allele origin: germline.
Comment: The p.T142P variant (also known as c.424A>C), located in coding exon 3 of the TMEM127 gene, results from an A to C substitution at nucleotide position 424. The threonine at codon 142 is replaced by proline, an amino acid with highly similar properties. This amino acid position is conserved. In addition, this alteration is predicted to be deleterious by in silico analysis. Since supporting evidence is limited at this time, the clinical significance of this alteration remains unclear.